The following is an entry in ClinVar:

ClinVar aggregate classification (germline): Conflicting classifications of pathogenicity. Review status: criteria provided, conflicting classifications (1 of 4 stars). 4 submissions from 4 submitters: Uncertain significance (3); Likely benign (1). Last evaluated 2025-11-05.

Conditions:
Hereditary cancer-predisposing syndrome. Also called: Tumor predisposition; Neoplastic Syndromes, Hereditary; Hereditary Cancer Syndrome; Hereditary neoplastic syndrome. Identifiers: Orphanet 140162, MedGen C0027672, MeSH D009386, MONDO:0015356.
Ataxia-telangiectasia syndrome (AT). Also called: Cerebello-oculocutaneous telangiectasia; Immunodeficiency with ataxia telangiectasia; ATAXIA-TELANGIECTASIA, COMPLEMENTATION GROUP A; Ataxia-telangiectasia, complementation group D; AT, COMPLEMENTATION GROUP C; ATAXIA-TELANGIECTASIA, FRESNO VARIANT. Identifiers: Orphanet 100, MedGen C0004135, MONDO:0008840, OMIM 208900.

Allele frequency attached by ClinVar (database versions not stated): gnomAD exomes below 0.00001; TOPMed below 0.00001; gnomAD 0.00001.
gnomAD v4.1: 3 of 1,613,900 alleles (0.00019%); highest among the groups gnomAD compares: East Asian, 0.0022%; no homozygotes.

Submissions (4):

Mayo Clinic Laboratories, Mayo Clinic
Classification: Uncertain significance. Last evaluated: 2025-11-05. Review status: criteria provided, single submitter. Criteria: ACMG Guidelines, 2015. Collection method: clinical testing. Allele origin: germline. Observed: 1 variant allele.
Comment: BP4_moderate

Ambry Genetics
Classification: Likely benign for Hereditary cancer-predisposing syndrome. Last evaluated: 2025-01-03. Review status: criteria provided, single submitter. Criteria: Ambry Variant Classification Scheme 2023. Collection method: clinical testing. Allele origin: germline.

Color Diagnostics, LLC DBA Color Health
Classification: Uncertain significance for Hereditary cancer-predisposing syndrome. Last evaluated: 2024-03-06. Review status: criteria provided, single submitter. Criteria: ACMG Guidelines, 2015. Collection method: clinical testing. Allele origin: germline.
Comment: This missense variant replaces lysine with arginine at codon 1510 of the ATM protein. Computational prediction suggests that this variant may not impact protein structure and function (internally defined REVEL score threshold <= 0.5, PMID: 27666373). Splice site prediction tools suggest that this variant may not impact RNA splicing. To our knowledge, functional studies have not been performed for this variant. This variant has not been reported in individuals affected with hereditary cancer in the literature. This variant has been identified in 1/251348 chromosomes in the general population by the Genome Aggregation Database (gnomAD). The available evidence is insufficient to determine the role of this variant in disease conclusively. Therefore, this variant is classified as a Variant of Uncertain Significance.

Labcorp Genetics (formerly Invitae), Labcorp
Classification: Uncertain significance for Ataxia-telangiectasia syndrome. Last evaluated: 2023-09-09. Review status: criteria provided, single submitter. Criteria: Invitae Variant Classification Sherloc (09022015). Collection method: clinical testing. Allele origin: germline.
Comment: In summary, the available evidence is currently insufficient to determine the role of this variant in disease. Therefore, it has been classified as a Variant of Uncertain Significance. RNA analysis performed to evaluate the impact of this missense change on mRNA splicing indicates it does not significantly alter splicing (Invitae). An algorithm developed to predict the effect of missense changes on protein structure and function (PolyPhen-2) suggests that this variant is likely to be tolerated. ClinVar contains an entry for this variant (Variation ID: 478933). This variant has not been reported in the literature in individuals affected with ATM-related conditions. This variant is present in population databases (no rsID available, gnomAD 0.006%). This sequence change replaces lysine, which is basic and polar, with arginine, which is basic and polar, at codon 1510 of the ATM protein (p.Lys1510Arg).

NM_000051.4(ATM):c.4529A>G (p.Lys1510Arg)

Gene: ATM (ATM serine/threonine kinase; plus strand). Cytogenetic location: 11q22.3.
Variant type: single nucleotide variant.
Coding change: c.4529A>G on transcript NM_000051.4 (MANE Select); coding-DNA position 4529, A replaced by G.
Protein change: p.Lys1510Arg; replaces lysine 1510 with arginine.
Molecular consequence: missense variant.
Genome position (GRCh38, 1-based): chr11:108,292,711, A>G. VCF-style: chr11-108292711-A-G. GRCh37 (hg19) VCF-style: chr11-108163438-A-G.
Other names: p.Lys1510Arg; c.4529A>G, p.Lys1510Arg (NM_001351834.2); short protein forms K1510R.
Identifiers: ClinVar variation 478933 (VCV000478933.20), dbSNP rs1208799683, ClinGen allele CA382533696.
Genomic context (GRCh38, chr11:108,292,711, plus strand): 5'-GCTTCTCCCTTTGTTGTGACTTATTAAGTCAGGTTTGCCAGACAGCCGTGACTTACTGTA[A>G]GGATGCTCTAGAAAACCATCTTCATGTTATTGTTGGTACACTTATACCCCTTGTGTATGA-3'
Protein context (NP_000042.3, residues 1500-1520): QVCQTAVTYC[Lys1510Arg]DALENHLHVI